The following is an entry in ClinVar:

NM_004168.4(SDHA):c.64-35_64-34del

Gene: SDHA (succinate dehydrogenase complex flavoprotein subunit A; plus strand). Cytogenetic location: 5p15.33.
Variant type: Deletion.
Coding change: c.64-35_64-34del on transcript NM_004168.4 (MANE Select); 35 bases into the intron before coding-DNA position 64 through 34 bases into the intron before coding-DNA position 64, 2 bases deleted (CT; older notation c.64-35_64-34delCT).
Molecular consequence: intron variant.
Genome position (GRCh38, 1-based): chr5:223,447-223,448, CT deleted. VCF-style (leftmost placement, unchanged base first): chr5-223446-ACT-A. GRCh37 (hg19) VCF-style: chr5-223561-ACT-A.
Other names: c.64-35_64-34del (NM_001330758.2, NM_001294332.2).
Identifiers: ClinVar variation 4886249 (VCV004886249.2).
Genomic context (GRCh38, chr5:223,446, plus strand): 5'-GAAGGTGAACAGTTTGCAAGGGGAAATTACTATCCCCCACAGCATTTGTTCCTTCAGGAC[ACT>A]AACCCTCTGGATCTGTGTCTTCTGTGTCTCCAGTGGCCAACAGTGTTGCAAACAGGAACC-3'

ClinVar aggregate classification (germline): Uncertain significance (1 of 4 stars; one submission).

Submission:

Dasa
Classification: Uncertain significance. Last evaluated: 2026-02-06. Review status: criteria provided, single submitter. Criteria: DASA Assertion Criteria. Collection method: clinical testing. Allele origin: germline.
Comment: NM_004168.4(SDHA):c.64-35_64-34del is an intronic variant. This variant is rare in population databases. Computational prediction algorithms are consistent with a deleterious effect. The currently available literature and clinical evidence are not sufficient to establish a definitive association between this variant and the reported condition. Therefore, this variant is classified as a variant of uncertain significance.